The following is an entry in ClinVar:

NM_006502.3(POLH):c.*4928T>C

Gene: POLH (DNA polymerase eta; plus strand). Cytogenetic location: 6p21.1.
Variant type: single nucleotide variant.
Coding change: c.*4928T>C on transcript NM_006502.3 (MANE Select); 4928 bases downstream of the stop codon, T replaced by C.
Molecular consequence: 3 prime UTR variant.
Genome position (GRCh38, 1-based): chr6:43,619,485, T>C. VCF-style: chr6-43619485-T-C. GRCh37 (hg19) VCF-style: chr6-43587222-T-C.
Other names: c.*4928T>C (NM_001291969.2); c.*5754T>C (NM_001291970.2).
Identifiers: ClinVar variation 357006 (VCV000357006.7), dbSNP rs556045922, ClinGen allele CA10622188.

ClinVar aggregate classification (germline): Likely benign (1 of 4 stars; one submission).

Conditions:
Xeroderma pigmentosum variant type. Also called: POLH-Related Xeroderma Pigmentosum; PHOTOSENSITIVITY WITH DEFECTIVE DNA SYNTHESIS; XERODERMA PIGMENTOSUM WITH NORMAL DNA REPAIR RATES. Identifiers: Orphanet 90342, MedGen C1848410, MONDO:0010214, OMIM 278750.

Allele frequency attached by ClinVar (database versions not stated): 1000 Genomes Project 0.00060; TOPMed 0.00094; gnomAD 0.00104 and 0.00108; 1000 Genomes Project 30x 0.00109.
gnomAD v4.1: 155 of 151,648 alleles (0.1%); highest among the groups gnomAD compares: Non-Finnish European, 0.2%; no homozygotes.

Submission:

Illumina Laboratory Services, Illumina
Classification: Likely benign for Xeroderma pigmentosum variant type. Last evaluated: 2018-01-12. Review status: criteria provided, single submitter. Criteria: ICSL Variant Classification Criteria 13 December 2019. Collection method: clinical testing. Allele origin: germline.
Comment: This variant was observed in the ICSL laboratory as part of a predisposition screen in an ostensibly healthy population. It had not been previously curated by ICSL or reported in the Human Gene Mutation Database (HGMD: prior to June 1st, 2018), and was therefore a candidate for classification through an automated scoring system. Utilizing variant allele frequency, disease prevalence and penetrance estimates, and inheritance mode, an automated score was calculated to assess if this variant is too frequent to cause the disease. Based on the score and internal cut-off values, a variant classified as likely benign is not then subjected to further curation. The score for this variant resulted in a classification of likely benign for this disease.